The following is an entry in ClinVar:

ClinVar aggregate classification (germline): Benign/Likely benign. Review status: criteria provided, multiple submitters, no conflicts (2 of 4 stars). 6 submissions from 6 submitters: Benign (3); Likely benign (2). 1 of the submissions does not count toward it. Last evaluated 2025-12-09.

Allele frequency attached by ClinVar (database versions not stated): 1000 Genomes Project 0.00200; gnomAD 0.00253 and 0.00256; ExAC 0.00266; 1000 Genomes Project 30x 0.00281; TOPMed 0.00297; gnomAD exomes 0.00348.
gnomAD v4.1: 4,783 of 1,503,082 alleles (0.32%); highest among the groups gnomAD compares: Admixed American, 0.63%; 15 homozygotes.

Submissions (6):

Labcorp Genetics (formerly Invitae), Labcorp
Classification: Benign. Last evaluated: 2025-12-09. Review status: criteria provided, single submitter. Criteria: Invitae Variant Classification Sherloc (09022015). Collection method: clinical testing. Allele origin: germline.

Blueprint Genetics
Classification: Benign. Last evaluated: 2024-11-26. Review status: criteria provided, single submitter. Criteria: ACMG Guidelines, 2015. Collection method: clinical testing. Allele origin: germline.

CeGaT Center for Human Genetics Tuebingen
Classification: Likely benign. Last evaluated: 2024-09-01. Review status: criteria provided, single submitter. Criteria: CeGaT Center For Human Genetics Tuebingen Variant Classification Criteria Version 2. Collection method: clinical testing. Allele origin: germline. Affected: yes. Observed: 4 variant alleles.
Comment: MTFMT: BP4, BP7, BS2

GeneDx
Classification: Benign. Last evaluated: 2013-12-27. Review status: criteria provided, single submitter. Criteria: GeneDx Variant Classification (06012015). Collection method: clinical testing. Allele origin: germline. Affected: yes.
Comment: This variant is considered likely benign or benign based on one or more of the following criteria: it is a conservative change, it occurs at a poorly conserved position in the protein, it is predicted to be benign by multiple in silico algorithms, and/or has population frequency not consistent with disease.

Breakthrough Genomics
Classification: Likely benign. Review status: criteria provided, single submitter. Criteria: ACMG Guidelines, 2015. Collection method: not provided. Allele origin: germline. Inheritance: Autosomal recessive inheritance. Affected: yes.

Mayo Clinic Laboratories, Mayo Clinic
Classification: Benign. Last evaluated: 2016-02-25. Review status: no assertion criteria provided. Collection method: clinical testing. Allele origin: unknown. Not counted in ClinVar's aggregate classification.

NM_139242.4(MTFMT):c.186G>C (p.Ala62=)

Gene: MTFMT (mitochondrial methionyl-tRNA formyltransferase; minus strand). Cytogenetic location: 15q22.31.
Variant type: single nucleotide variant.
Coding change: c.186G>C on transcript NM_139242.4 (MANE Select); coding-DNA position 186, G replaced by C.
Protein change: p.Ala62=; no amino-acid change (alanine 62 retained).
Molecular consequence: synonymous variant.
Genome position (GRCh38, 1-based): chr15:65,029,428, C>G on the plus strand (G>C on the coding strand, the complement: MTFMT is on the minus strand). VCF-style: chr15-65029428-C-G. GRCh37 (hg19) VCF-style: chr15-65321766-C-G.
Other names: p.A62A:GCG>GCC.
Identifiers: ClinVar variation 138270 (VCV000138270.49), dbSNP rs183891284, ClinGen allele CA292181.